The following is an entry in ClinVar:

ClinVar aggregate classification (germline): Uncertain significance (1 of 4 stars; one submission).

Conditions:
Hereditary cancer-predisposing syndrome. Also called: Hereditary Cancer Syndrome; Tumor predisposition; Hereditary neoplastic syndrome; Neoplastic Syndromes, Hereditary. Identifiers: Orphanet 140162, MedGen C0027672, MeSH D009386, MONDO:0015356.
Cardiovascular phenotype. Identifiers: MedGen CN230736.

Submission:

Ambry Genetics
Classification: Uncertain significance for Cardiovascular phenotype; Hereditary cancer-predisposing syndrome. Last evaluated: 2024-11-17. Review status: criteria provided, single submitter. Criteria: Ambry Variant Classification Scheme 2023. Collection method: clinical testing. Allele origin: germline.
Comment: The p.R2549M variant (also known as c.7646G>T), located in coding exon 51 of the NF1 gene, results from a G to T substitution at nucleotide position 7646. The arginine at codon 2549 is replaced by methionine, an amino acid with similar properties. This amino acid position is conserved. In addition, the in silico prediction for this alteration is inconclusive. Based on the available evidence, the clinical significance of this variant remains unclear.

NM_001042492.3(NF1):c.7709G>T (p.Arg2570Met)

Gene: NF1 (neurofibromin 1; plus strand). Cytogenetic location: 17q11.2.
Variant type: single nucleotide variant.
Coding change: c.7709G>T on transcript NM_001042492.3 (MANE Select); coding-DNA position 7709, G replaced by T.
Protein change: p.Arg2570Met; replaces arginine 2570 with methionine.
Molecular consequence: missense variant.
Genome position (GRCh38, 1-based): chr17:31,356,553, G>T. VCF-style: chr17-31356553-G-T. GRCh37 (hg19) VCF-style: chr17-29683571-G-T.
Other names: c.7646G>T, p.Arg2549Met (NM_000267.4); short protein forms R2549M, R2570M.
Identifiers: ClinVar variation 3404925 (VCV003404925.1).